The following is an entry in ClinVar:

ClinVar aggregate classification (germline): Uncertain significance (1 of 4 stars; one submission).

Submission:

CeGaT Center for Human Genetics Tuebingen
Classification: Uncertain significance. Last evaluated: 2023-11-01. Review status: criteria provided, single submitter. Criteria: CeGaT Center For Human Genetics Tuebingen Variant Classification Criteria Version 2. Collection method: clinical testing. Allele origin: germline. Affected: yes. Observed: 1 variant allele.
Comment: SETBP1: PM2

NM_015559.3(SETBP1):c.2903G>T (p.Arg968Ile)

Gene: SETBP1 (SET binding protein 1; plus strand). Cytogenetic location: 18q12.3.
Variant type: single nucleotide variant.
Coding change: c.2903G>T on transcript NM_015559.3 (MANE Select); coding-DNA position 2903, G replaced by T.
Protein change: p.Arg968Ile; replaces arginine 968 with isoleucine.
Molecular consequence: missense variant.
Genome position (GRCh38, 1-based): chr18:44,952,243, G>T. VCF-style: chr18-44952243-G-T. GRCh37 (hg19) VCF-style: chr18-42532208-G-T.
Other names: c.2903G>T, p.Arg968Ile (NM_001379141.1, NM_001379142.1, NM_001410862.1); short protein forms R968I.
Identifiers: ClinVar variation 2672725 (VCV002672725.23), dbSNP rs1208593966, ClinGen allele CA402322565.